The following is an entry in ClinVar:

ClinVar aggregate classification (germline): Pathogenic (1 of 4 stars; one submission).

Submission:

Labcorp Genetics (formerly Invitae), Labcorp
Classification: Pathogenic. Last evaluated: 2025-08-13. Review status: criteria provided, single submitter. Criteria: Invitae Variant Classification Sherloc (09022015). Collection method: clinical testing. Allele origin: germline.
Comment: This sequence change creates a premature translational stop signal (p.Ser50Trpfs*58) in the PAX1 gene. It is expected to result in an absent or disrupted protein product. Loss-of-function variants in PAX1 are known to be pathogenic (PMID: 1889089, 23851939, 28657137, 29681087). This variant is not present in population databases (gnomAD no frequency). This variant has not been reported in the literature in individuals affected with PAX1-related conditions. For these reasons, this variant has been classified as Pathogenic.

Literature cited by the submitters: PubMed 1889089; PubMed 23851939; PubMed 28657137; PubMed 29681087.

NM_001257096.2(PAX1):c.135_148dup (p.Ser50fs)

Gene: PAX1 (paired box 1; plus strand). Cytogenetic location: 20p11.22.
Variant type: Duplication.
Coding change: c.135_148dup on transcript NM_001257096.2 (MANE Select); coding-DNA positions 135 to 148, 14 bases duplicated (GGGCCGCCGCGGCT).
Protein change: p.Ser50fs; shifts the reading frame from serine 50.
Molecular consequence: frameshift variant.
Genome position (GRCh38, 1-based): chr20:21,705,847-21,705,860, GGGCCGCCGCGGCT duplicated; duplicating any 14 consecutive bases within chr20:21,705,839-21,705,860 gives the same sequence; the c. name uses the placement nearest the transcript's 3' end. VCF-style (leftmost placement, unchanged base first): chr20-21705838-C-CCCGCGGCTGGGCCG. GRCh37 (hg19) VCF-style: chr20-21686476-C-CCCGCGGCTGGGCCG.
Other names: c.135_148dup, p.Ser50fs (NM_006192.5); short protein forms S50fs.
Identifiers: ClinVar variation 4708762 (VCV004708762.1).